The following is an entry in ClinVar:

ClinVar aggregate classification (germline): Conflicting classifications of pathogenicity. Review status: criteria provided, conflicting classifications (1 of 4 stars). 3 submissions from 3 submitters: Uncertain significance (1); Likely benign (2). Last evaluated 2026-03-20.

Conditions:
ACTC1-related disorder. Also called: ACTC1-related condition.
Cardiomyopathy (CMYO). Also called: Cardiomyopathies. Identifiers: Orphanet 167848, MedGen C0878544, MONDO:0004994, HP:0001638. Inheritance: Various modes of inheritance.
Atrial septal defect 5 (ASD5). Identifiers: Orphanet 1478, MedGen C2748552, MONDO:0013011, OMIM 612794.
Hypertrophic cardiomyopathy 11. Also called: ACTC1-Related Familial Hypertrophic Cardiomyopathy. Identifiers: MedGen C2677506, MONDO:0012799, OMIM 612098.
Dilated cardiomyopathy 1R (CMD1R). Identifiers: Orphanet 154, Orphanet 54260, MedGen C3150681, MONDO:0013261, OMIM 613424.

Allele frequency attached by ClinVar (database versions not stated): gnomAD exomes below 0.00001 and 0.00001; TOPMed 0.00002; gnomAD 0.00003.

Submissions (3):

PreventionGenetics, part of Exact Sciences
Classification: Likely benign for ACTC1-related condition. Last evaluated: 2026-03-20. Review status: criteria provided, single submitter. Criteria: ACMG Guidelines, 2015. Collection method: clinical testing. Allele origin: germline.
Comment: This variant is classified as likely benign based on ACMG/AMP sequence variant interpretation guidelines (Richards et al. 2015 PMID: 25741868, with internal and published modifications).

Labcorp Genetics (formerly Invitae), Labcorp
Classification: Uncertain significance for Dilated cardiomyopathy 1R; Hypertrophic cardiomyopathy 11; Atrial septal defect 5. Last evaluated: 2025-09-22. Review status: criteria provided, single submitter. Criteria: Invitae Variant Classification Sherloc (09022015). Collection method: clinical testing. Allele origin: germline.
Comment: This sequence change falls in intron 4 of the ACTC1 gene. It does not directly change the encoded amino acid sequence of the ACTC1 protein. It affects a nucleotide within the consensus splice site. This variant is present in population databases (rs574862389, gnomAD 0.008%). This variant has not been reported in the literature in individuals affected with ACTC1-related conditions. ClinVar contains an entry for this variant (Variation ID: 919548). Variants that disrupt the consensus splice site are a relatively common cause of aberrant splicing (PMID: 17576681, 9536098). Algorithms developed to predict the effect of sequence changes on RNA splicing suggest that this variant is not likely to affect RNA splicing. In summary, the available evidence is currently insufficient to determine the role of this variant in disease. Therefore, it has been classified as a Variant of Uncertain Significance.

Color Diagnostics, LLC DBA Color Health
Classification: Likely benign for Cardiomyopathy. Last evaluated: 2019-08-02. Review status: criteria provided, single submitter. Criteria: ACMG Guidelines, 2015. Collection method: clinical testing. Allele origin: germline.

Literature cited by the submitters: PubMed 17576681 (cited by Labcorp Genetics (formerly Invitae), Labcorp); PubMed 9536098 (cited by Labcorp Genetics (formerly Invitae), Labcorp).

NM_005159.5(ACTC1):c.616+6T>C

Genes: ACTC1 (actin alpha cardiac muscle 1; minus strand), GJD2-DT (GJD2 divergent transcript; plus strand). Cytogenetic location: 15q14.
Variant type: single nucleotide variant.
Coding change: c.616+6T>C on transcript NM_005159.5 (MANE Select); 6 bases into the intron after coding-DNA position 616, T replaced by C.
Molecular consequence: intron variant.
Genome position (GRCh38, 1-based): chr15:34,792,402, A>G on the plus strand (T>C on the coding strand, the complement: ACTC1 is on the minus strand). VCF-style: chr15-34792402-A-G. GRCh37 (hg19) VCF-style: chr15-35084603-A-G.
Identifiers: ClinVar variation 919548 (VCV000919548.10), dbSNP rs574862389, ClinGen allele CA268662335.
Genomic context (GRCh38, chr15:34,792,402, plus strand): 5'-AGGCGGATTCAGTGAGAGAGGAGGAAAGCAGACCCACACTGTGGCAGATGAGACACACAC[A>G]CTCACCAGTGGTGACAAAGGAGTAGCCACGCTCAGTGAGGATCTTCATGAGGTAGTCAGT-3'